The following is an entry in ClinVar:

NM_024577.4(SH3TC2):c.789A>G (p.Thr263=)

Gene: SH3TC2 (SH3 domain and tetratricopeptide repeats 2; minus strand). Cytogenetic location: 5q32.
Variant type: single nucleotide variant.
Coding change: c.789A>G on transcript NM_024577.4 (MANE Select); coding-DNA position 789, A replaced by G.
Protein change: p.Thr263=; no amino-acid change (threonine 263 retained).
Molecular consequence: synonymous variant.
Genome position (GRCh38, 1-based): chr5:149,040,620, T>C on the plus strand (A>G on the coding strand, the complement: SH3TC2 is on the minus strand). VCF-style: chr5-149040620-T-C. GRCh37 (hg19) VCF-style: chr5-148420183-T-C.
Identifiers: ClinVar variation 1223194 (VCV001223194.12), dbSNP rs780777249, ClinGen allele CA3499393.

ClinVar aggregate classification (germline): Likely benign. Review status: criteria provided, multiple submitters, no conflicts (2 of 4 stars). 3 submissions from 3 submitters: Likely benign (3). Last evaluated 2025-07-29.

Conditions:
SH3TC2-related disorder. Also called: SH3TC2-related condition; SH3TC2-related disorders. Identifiers: MedGen CN239303.
Charcot-Marie-Tooth disease type 4. Also called: Charcot-Marie-Tooth disease, type IV; Charcot-Marie-Tooth, Type 4. Identifiers: Orphanet 64749, MedGen C4082197, MONDO:0018995.

Allele frequency attached by ClinVar (database versions not stated): TOPMed 0.00001; gnomAD exomes 0.00003 and 0.00006; ExAC 0.00005; gnomAD 0.00001.
gnomAD v4.1: 18 of 1,613,968 alleles (0.0011%); highest among the groups gnomAD compares: Admixed American, 0.028%; no homozygotes.

Submissions (3):

Labcorp Genetics (formerly Invitae), Labcorp
Classification: Likely benign for Charcot-Marie-Tooth disease type 4. Last evaluated: 2025-07-29. Review status: criteria provided, single submitter. Criteria: Invitae Variant Classification Sherloc (09022015). Collection method: clinical testing. Allele origin: germline.

PreventionGenetics, part of Exact Sciences
Classification: Likely benign for SH3TC2-related condition. Last evaluated: 2025-01-13. Review status: criteria provided, single submitter. Criteria: ACMG Guidelines, 2015. Collection method: clinical testing. Allele origin: germline.
Comment: This variant is classified as likely benign based on ACMG/AMP sequence variant interpretation guidelines (Richards et al. 2015 PMID: 25741868, with internal and published modifications).

GeneDx
Classification: Likely benign. Last evaluated: 2020-12-14. Review status: criteria provided, single submitter. Criteria: GeneDx Variant Classification Process June 2021. Collection method: clinical testing. Allele origin: germline. Affected: yes.